The following is an entry in ClinVar:

ClinVar aggregate classification (germline): Uncertain significance. Review status: criteria provided, multiple submitters, no conflicts (2 of 4 stars). 2 submissions from 2 submitters: Uncertain significance (2). Last evaluated 2026-01-14.

Conditions:
Familial cancer of breast. Also called: Hereditary breast cancer; hereditary breast carcinoma; BREAST CANCER, FAMILIAL. Identifiers: Orphanet 227535, MedGen C0346153, MONDO:0016419, OMIM 114480. Disease mechanism: loss of function.
Hereditary cancer-predisposing syndrome. Also called: Neoplastic Syndromes, Hereditary; Hereditary neoplastic syndrome; Tumor predisposition; Hereditary Cancer Syndrome. Identifiers: Orphanet 140162, MedGen C0027672, MeSH D009386, MONDO:0015356.

Submissions (2):

Ambry Genetics
Classification: Uncertain significance for Hereditary cancer-predisposing syndrome. Last evaluated: 2026-01-14. Review status: criteria provided, single submitter. Criteria: Ambry Variant Classification Scheme 2023. Collection method: clinical testing. Allele origin: germline.
Comment: The p.N497D variant (also known as c.1489A>G), located in coding exon 4 of the PALB2 gene, results from an A to G substitution at nucleotide position 1489. The asparagine at codon 497 is replaced by aspartic acid, an amino acid with highly similar properties. This amino acid position is conserved. In addition, this alteration is predicted to be tolerated by in silico analysis. Based on the available evidence, the clinical significance of this variant remains unclear.

Labcorp Genetics (formerly Invitae), Labcorp
Classification: Uncertain significance for Familial cancer of breast. Last evaluated: 2025-11-24. Review status: criteria provided, single submitter. Criteria: Invitae Variant Classification Sherloc (09022015). Collection method: clinical testing. Allele origin: germline.
Comment: This sequence change replaces asparagine, which is neutral and polar, with aspartic acid, which is acidic and polar, at codon 497 of the PALB2 protein (p.Asn497Asp). This variant is not present in population databases (gnomAD no frequency). This variant has not been reported in the literature in individuals affected with PALB2-related conditions. Invitae Evidence Modeling of protein sequence and biophysical properties (such as structural, functional, and spatial information, amino acid conservation, physicochemical variation, residue mobility, and thermodynamic stability) indicates that this missense variant is not expected to disrupt PALB2 protein function with a negative predictive value of 80%. In summary, the available evidence is currently insufficient to determine the role of this variant in disease. Therefore, it has been classified as a Variant of Uncertain Significance.

NM_024675.4(PALB2):c.1489A>G (p.Asn497Asp)

Gene: PALB2 (partner and localizer of BRCA2; minus strand). Cytogenetic location: 16p12.2.
Variant type: single nucleotide variant.
Coding change: c.1489A>G on transcript NM_024675.4 (MANE Select); coding-DNA position 1489, A replaced by G.
Protein change: p.Asn497Asp; replaces asparagine 497 with aspartic acid.
Molecular consequence: missense variant. On other transcripts: intron variant (3).
Genome position (GRCh38, 1-based): chr16:23,635,057, T>C on the plus strand (A>G on the coding strand, the complement: PALB2 is on the minus strand). VCF-style: chr16-23635057-T-C. GRCh37 (hg19) VCF-style: chr16-23646378-T-C.
Other names: c.1429A>G, p.Asn477Asp (NM_001407296.1); c.1489A>G, p.Asn497Asp (NM_001407297.1, NM_001407298.1, NM_001407299.1 and 3 more transcripts); c.604A>G, p.Asn202Asp (NM_001407304.1, NM_001407305.1, NM_001407306.1 and 5 more transcripts); c.49-5782A>G (NM_001407314.1); c.-104-4588A>G (NM_001407313.1, NM_001407312.1); short protein forms N202D, N477D, N497D.
Identifiers: ClinVar variation 4772602 (VCV004772602.2).